The following is an entry in ClinVar:

NM_000500.9(CYP21A2):c.503T>C (p.Leu168Pro)

Genes: CYP21A2 (cytochrome P450 family 21 subfamily A member 2; plus strand), LOC106780800 (CYP21A2 recombination region; plus strand). Cytogenetic location: 6p21.33.
Variant type: single nucleotide variant.
Coding change: c.503T>C on transcript NM_000500.9 (MANE Select); coding-DNA position 503, T replaced by C.
Protein change: p.Leu168Pro; replaces leucine 168 with proline.
Molecular consequence: missense variant.
Genome position (GRCh38, 1-based): chr6:32,039,411, T>C. VCF-style: chr6-32039411-T-C. GRCh37 (hg19) VCF-style: chr6-32007188-T-C.
Other names: c.413T>C, p.Leu138Pro (NM_001128590.4); c.98T>C, p.Leu33Pro (NM_001368143.2, NM_001368144.2); short protein forms L138P, L168P, L33P.
Identifiers: ClinVar variation 1705568 (VCV001705568.1), dbSNP rs2483322015, ClinGen allele CA363502921.

ClinVar aggregate classification (germline): Uncertain significance (1 of 4 stars; one submission).

Conditions:
21-Hydroxylase-Deficient Congenital Adrenal Hyperplasia. Also called: ADRENAL HYPERPLASIA, CONGENITAL, DUE TO 21-HYDROXYLASE DEFICIENCY; ADRENAL HYPERPLASIA III. Identifiers: MedGen C2936858, OMIM 201910.

Submission:

3billion
Classification: Uncertain significance for 21-Hydroxylase-Deficient Congenital Adrenal Hyperplasia. Last evaluated: 2022-09-01. Review status: criteria provided, single submitter. Criteria: ACMG Guidelines, 2015. Collection method: clinical testing. Allele origin: germline. Affected: yes. Observed: 1 homozygote.
Comment: The variant is not observed in the gnomAD v2.1.1 dataset. In silico tool predictions suggest damaging effect of the variant on gene or gene product (REVEL: 0.63; 3Cnet: 0.17). Same nucleotide change resulting in same amino acid change has been previously reported to be associated with CYP21A2-related disorder (PMID: 20080860). Therefore, this variant is classified as uncertain significance according to the recommendation of ACMG/AMP guideline.

Literature cited by the submitters: PubMed 20080860.